The following is an entry in ClinVar:

ClinVar aggregate classification (germline): Conflicting classifications of pathogenicity. Review status: criteria provided, conflicting classifications (1 of 4 stars). 2 submissions from 2 submitters: Uncertain significance (1); Benign (1). Last evaluated 2023-12-03.

Conditions:
Primary ciliary dyskinesia. Also called: Ciliary dyskinesia. Identifiers: Orphanet 244, MedGen C0008780, MONDO:0016575, HP:0012265.

Allele frequency attached by ClinVar (database versions not stated): gnomAD exomes below 0.00001 and 0.00001; TOPMed 0.00001; ExAC 0.00002; gnomAD 0.00002.
gnomAD v4.1: 9 of 1,612,934 alleles (0.00056%); highest among the groups gnomAD compares: Admixed American, 0.0017%; no homozygotes.

Submissions (2):

Labcorp Genetics (formerly Invitae), Labcorp
Classification: Benign for Primary ciliary dyskinesia. Last evaluated: 2023-12-03. Review status: criteria provided, single submitter. Criteria: Invitae Variant Classification Sherloc (09022015). Collection method: clinical testing. Allele origin: germline.

GeneDx
Classification: Uncertain significance. Last evaluated: 2017-06-23. Review status: criteria provided, single submitter. Criteria: GeneDx Variant Classification (06012015). Collection method: clinical testing. Allele origin: germline. Affected: yes.
Comment: The R2189Q variant in the DNAH11 gene has not been reported previously as a pathogenic variant, nor as a benign variant, to our knowledge. This variant is not observed at a significant frequency in large population cohorts (Lek et al., 2016; 1000 Genomes Consortium et al., 2015; Exome Variant Server). The R2189Q variant is a semi-conservative amino acid substitution, which may impact secondary protein structure as these residues differ in some properties. This substitution occurs at a position that is not conserved. In silico analysis is inconsistent in its predictions as to whether or not the variant is damaging to the protein structure/function. We interpret R2189Q as a variant of uncertain significance.

NM_001277115.2(DNAH11):c.6566G>A (p.Arg2189Gln)

Gene: DNAH11 (dynein axonemal heavy chain 11; plus strand). Cytogenetic location: 7p15.3.
Variant type: single nucleotide variant.
Coding change: c.6566G>A on transcript NM_001277115.2 (MANE Select); coding-DNA position 6566, G replaced by A.
Protein change: p.Arg2189Gln; replaces arginine 2189 with glutamine.
Molecular consequence: missense variant.
Genome position (GRCh38, 1-based): chr7:21,707,718, G>A. VCF-style: chr7-21707718-G-A. GRCh37 (hg19) VCF-style: chr7-21747336-G-A.
Other names: short protein forms R2189Q.
Identifiers: ClinVar variation 450055 (VCV000450055.7), dbSNP rs747789567, ClinGen allele CA4180894.